The following is an entry in ClinVar:

NM_014795.4(ZEB2):c.1132C>A (p.Pro378Thr)

Gene: ZEB2 (zinc finger E-box binding homeobox 2; minus strand). Cytogenetic location: 2q22.3.
Variant type: single nucleotide variant.
Coding change: c.1132C>A on transcript NM_014795.4 (MANE Select); coding-DNA position 1132, C replaced by A.
Protein change: p.Pro378Thr; replaces proline 378 with threonine.
Molecular consequence: missense variant.
Genome position (GRCh38, 1-based): chr2:144,400,055, G>T on the plus strand (C>A on the coding strand, the complement: ZEB2 is on the minus strand). VCF-style: chr2-144400055-G-T. GRCh37 (hg19) VCF-style: chr2-145157622-G-T.
Other names: c.1060C>A, p.Pro354Thr (NM_001171653.2); short protein forms P354T, P378T.
Identifiers: ClinVar variation 2062590 (VCV002062590.4), dbSNP rs2549107063, ClinGen allele CA348712533.

ClinVar aggregate classification (germline): Uncertain significance (1 of 4 stars; one submission).

Conditions:
Mowat-Wilson syndrome (MOWS). Also called: Classic Mowat-Wilson Syndrome. Identifiers: Orphanet 2152, MedGen C1856113, MONDO:0009341, OMIM 235730.

Submission:

Labcorp Genetics (formerly Invitae), Labcorp
Classification: Uncertain significance for Mowat-Wilson syndrome. Last evaluated: 2024-08-05. Review status: criteria provided, single submitter. Criteria: Invitae Variant Classification Sherloc (09022015). Collection method: clinical testing. Allele origin: germline.
Comment: This sequence change replaces proline, which is neutral and non-polar, with threonine, which is neutral and polar, at codon 378 of the ZEB2 protein (p.Pro378Thr). This variant is not present in population databases (gnomAD no frequency). This variant has not been reported in the literature in individuals affected with ZEB2-related conditions. ClinVar contains an entry for this variant (Variation ID: 2062590). Advanced modeling of protein sequence and biophysical properties (such as structural, functional, and spatial information, amino acid conservation, physicochemical variation, residue mobility, and thermodynamic stability) has been performed at Invitae for this missense variant, however the output from this modeling did not meet the statistical confidence thresholds required to predict the impact of this variant on ZEB2 protein function. In summary, the available evidence is currently insufficient to determine the role of this variant in disease. Therefore, it has been classified as a Variant of Uncertain Significance.